The following is an entry in ClinVar:

NM_005245.4(FAT1):c.6649A>G (p.Ser2217Gly)

Gene: FAT1 (FAT atypical cadherin 1; minus strand). Cytogenetic location: 4q35.2.
Variant type: single nucleotide variant.
Coding change: c.6649A>G on transcript NM_005245.4 (MANE Select); coding-DNA position 6649, A replaced by G.
Protein change: p.Ser2217Gly; replaces serine 2217 with glycine.
Molecular consequence: missense variant.
Genome position (GRCh38, 1-based): chr4:186,619,937, T>C on the plus strand (A>G on the coding strand, the complement: FAT1 is on the minus strand). VCF-style: chr4-186619937-T-C. GRCh37 (hg19) VCF-style: chr4-187541091-T-C.
Other names: short protein forms S2217G.
Identifiers: ClinVar variation 3676910 (VCV003676910.2).

ClinVar aggregate classification (germline): Uncertain significance (1 of 4 stars; one submission).

gnomAD v4.1: 1 of 1,614,040 alleles (0.000062%); highest among the groups gnomAD compares: East Asian, 0.0022%; no homozygotes.

Submission:

Labcorp Genetics (formerly Invitae), Labcorp
Classification: Uncertain significance. Last evaluated: 2024-10-01. Review status: criteria provided, single submitter. Criteria: Invitae Variant Classification Sherloc (09022015). Collection method: clinical testing. Allele origin: germline.
Comment: This sequence change replaces serine, which is neutral and polar, with glycine, which is neutral and non-polar, at codon 2217 of the FAT1 protein (p.Ser2217Gly). This variant is not present in population databases (gnomAD no frequency). This variant has not been reported in the literature in individuals affected with FAT1-related conditions. Invitae Evidence Modeling of protein sequence and biophysical properties (such as structural, functional, and spatial information, amino acid conservation, physicochemical variation, residue mobility, and thermodynamic stability) indicates that this missense variant is not expected to disrupt FAT1 protein function with a negative predictive value of 80%. In summary, the available evidence is currently insufficient to determine the role of this variant in disease. Therefore, it has been classified as a Variant of Uncertain Significance.